The following is an entry in ClinVar:

ClinVar aggregate classification (germline): Likely benign. Review status: criteria provided, multiple submitters, no conflicts (2 of 4 stars). 4 submissions from 4 submitters: Likely benign (4). Last evaluated 2024-03-03.

Conditions:
Cardiovascular phenotype. Identifiers: MedGen CN230736.
Cardiomyopathy (CMYO). Also called: Cardiomyopathies. Identifiers: Orphanet 167848, MedGen C0878544, MONDO:0004994, HP:0001638. Inheritance: Various modes of inheritance.
Arrhythmogenic right ventricular dysplasia 10. Also called: Arrhythmogenic right ventricular dysplasia/cardiomyopathy, type 10; Arrhythmogenic Right Ventricular Dysplasia/Cardiomyopathy10; ARRHYTHMOGENIC RIGHT VENTRICULAR DYSPLASIA, FAMILIAL, 10. Identifiers: MedGen C1857777, MONDO:0012434, OMIM 610193.
Arrhythmogenic right ventricular cardiomyopathy (ARVD). Also called: Arrhythmogenic cardiomyopathy; Arrhythmogenic Right Ventricular Cardiomyopathy (ARVC); Cardiomyopathy, ARVC; Arrhythmogenic right ventricular dysplasia. Identifiers: Orphanet 247, MedGen C0349788, MeSH D019571, MONDO:0016587. Disease mechanism: loss of function. Inheritance: Various modes of inheritance.

Allele frequency attached by ClinVar (database versions not stated): TOPMed 0.00002; ESP Exome Variant Server 0.00008.
gnomAD v4.1: 2 of 1,613,750 alleles (0.00012%); highest among the groups gnomAD compares: Non-Finnish European, 0.00017%; no homozygotes.

Submissions (4):

Labcorp Genetics (formerly Invitae), Labcorp
Classification: Likely benign for Arrhythmogenic right ventricular dysplasia 10. Last evaluated: 2024-03-03. Review status: criteria provided, single submitter. Criteria: Invitae Variant Classification Sherloc (09022015). Collection method: clinical testing. Allele origin: germline.

All of Us Research Program, National Institutes of Health
Classification: Likely benign for Arrhythmogenic right ventricular cardiomyopathy. Last evaluated: 2023-10-27. Review status: criteria provided, single submitter. Criteria: ACMG Guidelines, 2015. Collection method: clinical testing. Allele origin: germline. Inheritance: Autosomal dominant inheritance. Observed: 6 variant alleles, 6 heterozygotes.
Comment: This study involves interpretation of variants in research participants for the purpose of population health screening. Participant phenotype was not available at the time of variant classification. Additional details can be found in publication PMID: 35346344, PMCID: PMC8962531

Color Diagnostics, LLC DBA Color Health
Classification: Likely benign for Cardiomyopathy. Last evaluated: 2021-07-06. Review status: criteria provided, single submitter. Criteria: ACMG Guidelines, 2015. Collection method: clinical testing. Allele origin: germline.

Ambry Genetics
Classification: Likely benign for Cardiovascular phenotype. Last evaluated: 2018-11-26. Review status: criteria provided, single submitter. Criteria: Ambry Variant Classification Scheme 2023. Collection method: clinical testing. Allele origin: germline.

NM_001943.5(DSG2):c.1848G>T (p.Ala616=)

Gene: DSG2 (desmoglein 2; plus strand). Cytogenetic location: 18q12.1.
Variant type: single nucleotide variant.
Coding change: c.1848G>T on transcript NM_001943.5 (MANE Select); coding-DNA position 1848, G replaced by T.
Protein change: p.Ala616=; no amino-acid change (alanine 616 retained).
Molecular consequence: synonymous variant.
Genome position (GRCh38, 1-based): chr18:31,538,947, G>T. VCF-style: chr18-31538947-G-T. GRCh37 (hg19) VCF-style: chr18-29118910-G-T.
Other names: c.1848G>T (LRG_397t1).
Identifiers: ClinVar variation 534694 (VCV000534694.13), dbSNP rs372349945, ClinGen allele CA043890.